The following is an entry in ClinVar:

NM_015021.3(ZNF292):c.4771A>G (p.Asn1591Asp)

Gene: ZNF292 (zinc finger protein 292; plus strand). Cytogenetic location: 6q14.3.
Variant type: single nucleotide variant.
Coding change: c.4771A>G on transcript NM_015021.3 (MANE Select); coding-DNA position 4771, A replaced by G.
Protein change: p.Asn1591Asp; replaces asparagine 1591 with aspartic acid.
Molecular consequence: missense variant.
Genome position (GRCh38, 1-based): chr6:87,258,400, A>G. VCF-style: chr6-87258400-A-G. GRCh37 (hg19) VCF-style: chr6-87968118-A-G.
Other names: c.4351A>G, p.Asn1451Asp (NM_001351444.2); short protein forms N1451D, N1591D.
Identifiers: ClinVar variation 3766298 (VCV003766298.1).
Genomic context (GRCh38, chr6:87,258,400, plus strand): 5'-CCAACGAATGACTTACTACTGAAGACTGTTGAAAATGGTTTGTGCTCTAGTTCATTTCCT[A>G]ATTCTGGTGGGCCATCACAAAATTTTACCAGTAACAGTTCTCGTGTTTCTGTTATAAGTG-3'
Protein context (NP_055836.1, residues 1581-1601): ENGLCSSSFP[Asn1591Asp]SGGPSQNFTS

ClinVar aggregate classification (germline): Uncertain significance (1 of 4 stars; one submission).

gnomAD v4.1: 2 of 1,613,634 alleles (0.00012%); highest among the groups gnomAD compares: Non-Finnish European, 0.00017%; no homozygotes.

Submission:

GeneDx
Classification: Uncertain significance. Last evaluated: 2024-08-26. Review status: criteria provided, single submitter. Criteria: GeneDx Variant Classification Process June 2021. Collection method: clinical testing. Allele origin: germline. Affected: yes.
Comment: Not observed at significant frequency in large population cohorts (gnomAD); In silico analysis indicates that this missense variant does not alter protein structure/function; Has not been previously published as pathogenic or benign to our knowledge